The following is an entry in ClinVar:

NM_001903.5(CTNNA1):c.1580T>C (p.Val527Ala)

Gene: CTNNA1 (catenin alpha 1; plus strand). Cytogenetic location: 5q31.2.
Variant type: single nucleotide variant.
Coding change: c.1580T>C on transcript NM_001903.5 (MANE Select); coding-DNA position 1580, T replaced by C.
Protein change: p.Val527Ala; replaces valine 527 with alanine.
Molecular consequence: missense variant.
Genome position (GRCh38, 1-based): chr5:138,924,543, T>C. VCF-style: chr5-138924543-T-C. GRCh37 (hg19) VCF-style: chr5-138260232-T-C.
Other names: c.1580T>C, p.Val527Ala (NM_001290307.3, NM_001323982.2, NM_001323983.1 and 2 more transcripts); c.1271T>C, p.Val424Ala (NM_001290309.3); c.1211T>C, p.Val404Ala (NM_001290310.3); c.470T>C, p.Val157Ala (NM_001290312.1, NM_001323987.1, NM_001323988.1 and 17 more transcripts); c.1487T>C, p.Val496Ala (NM_001323986.2); c.131T>C, p.Val44Ala (NM_001324006.1, NM_001324007.1, NM_001324008.1 and 2 more transcripts); c.377T>C, p.Val126Ala (NM_001324011.1); c.227T>C, p.Val76Ala (NM_001324012.1, NM_001324013.1); short protein forms V404A, V496A, V126A, V157A, V424A, V44A, V76A, V527A.
Identifiers: ClinVar variation 1775695 (VCV001775695.5), dbSNP rs2533707668, ClinGen allele CA361131752.

ClinVar aggregate classification (germline): Uncertain significance. Review status: criteria provided, multiple submitters, no conflicts (2 of 4 stars). 2 submissions from 2 submitters: Uncertain significance (2). Last evaluated 2024-07-02.

Conditions:
Hereditary cancer-predisposing syndrome. Also called: Neoplastic Syndromes, Hereditary; Tumor predisposition; Hereditary Cancer Syndrome; Hereditary neoplastic syndrome. Identifiers: Orphanet 140162, MedGen C0027672, MeSH D009386, MONDO:0015356.

Submissions (2):

Labcorp Genetics (formerly Invitae), Labcorp
Classification: Uncertain significance. Last evaluated: 2024-07-02. Review status: criteria provided, single submitter. Criteria: Invitae Variant Classification Sherloc (09022015). Collection method: clinical testing. Allele origin: germline.
Comment: This sequence change replaces valine, which is neutral and non-polar, with alanine, which is neutral and non-polar, at codon 527 of the CTNNA1 protein (p.Val527Ala). This variant is not present in population databases (gnomAD no frequency). This variant has not been reported in the literature in individuals affected with CTNNA1-related conditions. ClinVar contains an entry for this variant (Variation ID: 1775695). Advanced modeling of protein sequence and biophysical properties (such as structural, functional, and spatial information, amino acid conservation, physicochemical variation, residue mobility, and thermodynamic stability) performed at Invitae indicates that this missense variant is not expected to disrupt CTNNA1 protein function with a negative predictive value of 80%. In summary, the available evidence is currently insufficient to determine the role of this variant in disease. Therefore, it has been classified as a Variant of Uncertain Significance.

Ambry Genetics
Classification: Uncertain significance for Hereditary cancer-predisposing syndrome. Last evaluated: 2021-06-23. Review status: criteria provided, single submitter. Criteria: Ambry Variant Classification Scheme 2023. Collection method: clinical testing. Allele origin: germline.
Comment: The p.V527A variant (also known as c.1580T>C), located in coding exon 11 of the CTNNA1 gene, results from a T to C substitution at nucleotide position 1580. The valine at codon 527 is replaced by alanine, an amino acid with similar properties. This amino acid position is conserved. In addition, the in silico prediction for this alteration is inconclusive. Since supporting evidence is limited at this time, the clinical significance of this alteration remains unclear.